The following is an entry in ClinVar:

NM_000256.3(MYBPC3):c.677T>C (p.Ile226Thr)

Gene: MYBPC3 (myosin binding protein C3; minus strand). Cytogenetic location: 11p11.2.
Variant type: single nucleotide variant.
Coding change: c.677T>C on transcript NM_000256.3 (MANE Select); coding-DNA position 677, T replaced by C.
Protein change: p.Ile226Thr; replaces isoleucine 226 with threonine.
Molecular consequence: missense variant.
Genome position (GRCh38, 1-based): chr11:47,348,519, A>G on the plus strand (T>C on the coding strand, the complement: MYBPC3 is on the minus strand). VCF-style: chr11-47348519-A-G. GRCh37 (hg19) VCF-style: chr11-47370070-A-G.
Other names: short protein forms I226T.
Identifiers: ClinVar variation 2773764 (VCV002773764.2), dbSNP rs2495776963, ClinGen allele CA380336293.
Genomic context (GRCh38, chr11:47,348,519, plus strand): 5'-TTGTCCTTGGTGGACACCTCACAGCGGTAGCTGCCAGTGAAGGCAGGCTGGGCATCGGTG[A>G]TGTGCAGCTCGAACAGATAGACCTGTGTGCATGGAGGGACGGGGCGTCAGGGGACACCAG-3'
Protein context (NP_000247.2, residues 216-236): ASKVYLFELH[Ile226Thr]TDAQPAFTGS

ClinVar aggregate classification (germline): Uncertain significance (1 of 4 stars; one submission).

Conditions:
Cardiomyopathy (CMYO). Also called: Cardiomyopathies. Identifiers: Orphanet 167848, MedGen C0878544, MONDO:0004994, HP:0001638. Inheritance: Various modes of inheritance.

Submission:

Color Diagnostics, LLC DBA Color Health
Classification: Uncertain significance for Cardiomyopathy. Last evaluated: 2023-11-13. Review status: criteria provided, single submitter. Criteria: ACMG Guidelines, 2015. Collection method: clinical testing. Allele origin: germline.
Comment: This missense variant replaces isoleucine with threonine at codon 226 of the MYBPC3 protein. Computational prediction tools indicate that this variant has a deleterious impact on protein structure and function. To our knowledge, functional studies have not been reported for this variant. This variant has not been reported in individuals affected with MYBPC3-related disorders in the literature. This variant has not been identified in the general population by the Genome Aggregation Database (gnomAD). The available evidence is insufficient to determine the role of this variant in disease conclusively. Therefore, this variant is classified as a Variant of Uncertain Significance.